The following is an entry in ClinVar:

NM_001084.5(PLOD3):c.883C>A (p.Pro295Thr)

Gene: PLOD3 (procollagen-lysine,2-oxoglutarate 5-dioxygenase 3; minus strand). Cytogenetic location: 7q22.1.
Variant type: single nucleotide variant.
Coding change: c.883C>A on transcript NM_001084.5 (MANE Select); coding-DNA position 883, C replaced by A.
Protein change: p.Pro295Thr; replaces proline 295 with threonine.
Molecular consequence: missense variant.
Genome position (GRCh38, 1-based): chr7:101,212,652, G>T on the plus strand (C>A on the coding strand, the complement: PLOD3 is on the minus strand). VCF-style: chr7-101212652-G-T. GRCh37 (hg19) VCF-style: chr7-100855933-G-T.
Other names: short protein forms P295T.
Identifiers: ClinVar variation 2130990 (VCV002130990.4), dbSNP rs2535170740, ClinGen allele CA368619755.
Genomic context (GRCh38, chr7:101,212,652, plus strand): 5'-GGAAGCGGGGCAGAAACGGAGTAGGCTGTTCCACAAACACGGCCAGAAACACCCGGGGGG[G>T]AGGCTGGAAGATGCAACACGCAGGGACTCAGAGAGAAGCCCGGACTTCCCTGCTGCCCCC-3'
Protein context (NP_001075.1, residues 285-305): DRRTLPGGQP[Pro295Thr]PRVFLAVFVE

ClinVar aggregate classification (germline): Uncertain significance (1 of 4 stars; one submission).

Submission:

Labcorp Genetics (formerly Invitae), Labcorp
Classification: Uncertain significance. Last evaluated: 2022-05-13. Review status: criteria provided, single submitter. Criteria: Invitae Variant Classification Sherloc (09022015). Collection method: clinical testing. Allele origin: germline.
Comment: Algorithms developed to predict the effect of missense changes on protein structure and function (SIFT, PolyPhen-2, Align-GVGD) all suggest that this variant is likely to be tolerated. This variant has not been reported in the literature in individuals affected with PLOD3-related conditions. This variant is not present in population databases (gnomAD no frequency). This sequence change replaces proline, which is neutral and non-polar, with threonine, which is neutral and polar, at codon 295 of the PLOD3 protein (p.Pro295Thr). In summary, the available evidence is currently insufficient to determine the role of this variant in disease. Therefore, it has been classified as a Variant of Uncertain Significance.